The following is an entry in ClinVar:

ClinVar aggregate classification (germline): Uncertain significance (1 of 4 stars; one submission).

Conditions:
Neuropathy, hereditary sensory, type 2C. Also called: KIF1A-Related HSAN2 (HSAN2C); Hereditary sensory and autonomic neuropathy type IIC. Identifiers: Orphanet 970, MedGen C3280168, MONDO:0013634, OMIM 614213.
Hereditary spastic paraplegia 30. Identifiers: Orphanet 101010, MedGen C5235139, MONDO:0012476.
Intellectual disability, autosomal dominant 9 (NESCAVS). Also called: KIF1A-Related Neurodevelopmental Disorder; NESCAV SYNDROME. Identifiers: Orphanet 662367, MedGen C5393830, MONDO:0013656, OMIM 614255.

Submission:

Labcorp Genetics (formerly Invitae), Labcorp
Classification: Uncertain significance for Hereditary spastic paraplegia 30; Neuropathy, hereditary sensory, type 2C; Intellectual disability, autosomal dominant 9. Last evaluated: 2024-07-26. Review status: criteria provided, single submitter. Criteria: Invitae Variant Classification Sherloc (09022015). Collection method: clinical testing. Allele origin: germline.
Comment: This sequence change replaces arginine, which is basic and polar, with serine, which is neutral and polar, at codon 1522 of the KIF1A protein (p.Arg1522Ser). This variant is not present in population databases (gnomAD no frequency). This variant has not been reported in the literature in individuals affected with KIF1A-related conditions. An algorithm developed to predict the effect of missense changes on protein structure and function (PolyPhen-2) suggests that this variant is likely to be tolerated. In summary, the available evidence is currently insufficient to determine the role of this variant in disease. Therefore, it has been classified as a Variant of Uncertain Significance.

NM_001244008.2(KIF1A):c.4869G>C (p.Arg1623Ser)

Gene: KIF1A (kinesin family member 1A; minus strand). Cytogenetic location: 2q37.3.
Variant type: single nucleotide variant.
Coding change: c.4869G>C on transcript NM_001244008.2 (MANE Select); coding-DNA position 4869, G replaced by C.
Protein change: p.Arg1623Ser; replaces arginine 1623 with serine.
Molecular consequence: missense variant.
Genome position (GRCh38, 1-based): chr2:240,719,926, C>G on the plus strand (G>C on the coding strand, the complement: KIF1A is on the minus strand). VCF-style: chr2-240719926-C-G. GRCh37 (hg19) VCF-style: chr2-241659343-C-G.
Other names: c.4593G>C, p.Arg1531Ser (NM_001320705.2, NM_001379649.1); c.4620G>C, p.Arg1540Ser (NM_001330289.2); c.4668G>C, p.Arg1556Ser (NM_001330290.2, NM_001379648.1); c.4944G>C, p.Arg1648Ser (NM_001379631.1); c.4845G>C, p.Arg1615Ser (NM_001379632.1); c.4842G>C, p.Arg1614Ser (NM_001379633.1, NM_001379645.1); c.4695G>C, p.Arg1565Ser (NM_001379634.1); c.4692G>C, p.Arg1564Ser (NM_001379635.1, NM_001379646.1); and 7 more; short protein forms R1521S, R1522S, R1530S, R1531S, R1539S, R1540S, R1547S, R1556S.
Identifiers: ClinVar variation 3762127 (VCV003762127.2).